The following is an entry in ClinVar:

NM_003055.3(SLC18A3):c.239C>T (p.Pro80Leu)

Genes: CHAT (choline O-acetyltransferase; plus strand), SLC18A3 (solute carrier family 18 member A3; plus strand). Cytogenetic location: 10q11.23.
Variant type: single nucleotide variant.
Coding change: c.239C>T on transcript NM_003055.3 (MANE Select); coding-DNA position 239, C replaced by T.
Protein change: p.Pro80Leu; replaces proline 80 with leucine.
Molecular consequence: missense variant. On other transcripts: intron variant (1).
Genome position (GRCh38, 1-based): chr10:49,610,979, C>T. VCF-style: chr10-49610979-C-T. GRCh37 (hg19) VCF-style: chr10-50819025-C-T.
Other names: c.-69+1780C>T (NM_020984.4); short protein forms P80L.
Identifiers: ClinVar variation 1440143 (VCV001440143.6), dbSNP rs778513207, ClinGen allele CA5496722.

ClinVar aggregate classification (germline): Uncertain significance (1 of 4 stars; one submission).

gnomAD v4.1: 15 of 1,611,566 alleles (0.00093%); highest among the groups gnomAD compares: Admixed American, 0.018%; no homozygotes.

Submission:

Labcorp Genetics (formerly Invitae), Labcorp
Classification: Uncertain significance. Last evaluated: 2022-09-07. Review status: criteria provided, single submitter. Criteria: Invitae Variant Classification Sherloc (09022015). Collection method: clinical testing. Allele origin: germline.
Comment: This sequence change replaces proline, which is neutral and non-polar, with leucine, which is neutral and non-polar, at codon 80 of the SLC18A3 protein (p.Pro80Leu). This variant is present in population databases (rs778513207, gnomAD 0.009%). This variant has not been reported in the literature in individuals affected with SLC18A3-related conditions. ClinVar contains an entry for this variant (Variation ID: 1440143). Algorithms developed to predict the effect of missense changes on protein structure and function (SIFT, PolyPhen-2, Align-GVGD) all suggest that this variant is likely to be tolerated. In summary, the available evidence is currently insufficient to determine the role of this variant in disease. Therefore, it has been classified as a Variant of Uncertain Significance.